The following is an entry in ClinVar:

ClinVar aggregate classification (germline): Benign/Likely benign. Review status: criteria provided, multiple submitters, no conflicts (2 of 4 stars). 13 submissions from 13 submitters: Benign (8); Likely benign (1). 4 of the submissions do not count toward it. Last evaluated 2026-02-04.

Conditions:
Cardiovascular phenotype. Identifiers: MedGen CN230736.
Dilated cardiomyopathy 1C (CMD1C). Also called: CARDIOMYOPATHY, DILATED, 1C, WITH OR WITHOUT LEFT VENTRICULAR NONCOMPACTION; Cardiomyopathy, dilated, 1C, with or without LVNC. Identifiers: Orphanet 154, Orphanet 54260, MedGen C1832244, MONDO:0011094, OMIM 601493.
Myofibrillar myopathy 4. Also called: Zaspopathy (type). Identifiers: Orphanet 98912, MedGen C4721886, MONDO:0012277, OMIM 609452.

Allele frequency attached by ClinVar (database versions not stated): gnomAD exomes 0.03807 and 0.03923; 1000 Genomes Project 0.05671; gnomAD 0.06598 and 0.06909; ESP Exome Variant Server 0.07298; 1000 Genomes Project 30x 0.05840; TOPMed 0.06857; ExAC 0.04056.
gnomAD v4.1: 66,170 of 1,614,128 alleles (4.1%); highest among the groups gnomAD compares: African/African-American, 15%; 1,920 homozygotes.

Submissions (13):

Labcorp Genetics (formerly Invitae), Labcorp
Classification: Benign for Myofibrillar myopathy 4. Last evaluated: 2026-02-04. Review status: criteria provided, single submitter. Criteria: Invitae Variant Classification Sherloc (09022015). Collection method: clinical testing. Allele origin: germline.

Illumina Laboratory Services, Illumina
Classification: Benign for Dilated cardiomyopathy 1C. Last evaluated: 2018-01-13. Review status: criteria provided, single submitter. Criteria: ICSL Variant Classification Criteria 13 December 2019. Collection method: clinical testing. Allele origin: germline.
Comment: This variant was observed in the ICSL laboratory as part of a predisposition screen in an ostensibly healthy population. It had not been previously curated by ICSL or reported in the Human Gene Mutation Database (HGMD: prior to June 1st, 2018), and was therefore a candidate for classification through an automated scoring system. Utilizing variant allele frequency, disease prevalence and penetrance estimates, and inheritance mode, an automated score was calculated to assess if this variant is too frequent to cause the disease. Based on the score and internal cut-off values, a variant classified as benign is not then subjected to further curation. The score for this variant resulted in a classification of benign for this disease.

Mayo Clinic Laboratories, Mayo Clinic
Classification: Benign. Last evaluated: 2017-12-06. Review status: criteria provided, single submitter. Criteria: ACMG Guidelines, 2015. Collection method: clinical testing. Allele origin: germline. Observed: 218 variant alleles.

Athena Diagnostics
Classification: Benign. Last evaluated: 2017-07-21. Review status: criteria provided, single submitter. Criteria: Athena Diagnostics Criteria. Collection method: clinical testing. Allele origin: germline.

Ambry Genetics
Classification: Benign for Cardiovascular phenotype. Last evaluated: 2015-06-18. Review status: criteria provided, single submitter. Criteria: Ambry Variant Classification Scheme 2023. Collection method: clinical testing. Allele origin: germline.

GeneDx
Classification: Benign. Last evaluated: 2015-03-03. Review status: criteria provided, single submitter. Criteria: GeneDx Variant Classification Process June 2021. Collection method: clinical testing. Allele origin: germline. Affected: yes.

Laboratory for Molecular Medicine, Mass General Brigham Personalized Medicine
Classification: Benign. Last evaluated: 2011-06-09. Review status: criteria provided, single submitter. Criteria: LMM Criteria. Collection method: clinical testing. Allele origin: germline. Observed: 276 variant alleles.
Comment: This variant is classified as benign based on its high frequency in control popu lations (18% in Blacks and 4% in Caucasians; LMM unpublished data).

Breakthrough Genomics
Classification: Likely benign. Review status: criteria provided, single submitter. Criteria: ACMG Guidelines, 2015. Collection method: not provided. Allele origin: germline. Inheritance: Autosomal dominant inheritance. Affected: yes.

PreventionGenetics, part of Exact Sciences
Classification: Benign. Review status: criteria provided, single submitter. Criteria: ACMG Guidelines, 2015. Collection method: clinical testing. Allele origin: germline.

Cytogenetics- Mohapatra Lab, Banaras Hindu University
Classification: Benign for Dilated cardiomyopathy 1C. Last evaluated: 2014-09-11. Review status: no assertion criteria provided. Collection method: case-control. Allele origin: unknown. Affected: yes. Observed: 2 variant alleles. Not counted in ClinVar's aggregate classification.

Clinical Genetics, Academic Medical Center
Classification: Benign. Review status: no assertion criteria provided. Collection method: clinical testing. Allele origin: germline. Affected: yes. Study: VKGL Data-share Consensus. Not counted in ClinVar's aggregate classification.

Joint Genome Diagnostic Labs from Nijmegen and Maastricht, Radboudumc and MUMC+
Classification: Benign. Review status: no assertion criteria provided. Collection method: clinical testing. Allele origin: germline. Affected: yes. Study: VKGL Data-share Consensus. Not counted in ClinVar's aggregate classification.

Laboratory of Diagnostic Genome Analysis, Leiden University Medical Center (LUMC)
Classification: Likely benign. Review status: no assertion criteria provided. Collection method: clinical testing. Allele origin: germline. Affected: yes. Study: VKGL Data-share Consensus. Not counted in ClinVar's aggregate classification.

NM_001368067.1(LDB3):c.504T>C (p.Asp168=)

Genes: LDB3 (LIM domain binding 3; plus strand), LOC110121486 (VISTA enhancer hs2143; plus strand). Cytogenetic location: 10q23.2.
Variant type: single nucleotide variant.
Coding change: c.504T>C on transcript NM_001368067.1 (MANE Plus Clinical); coding-DNA position 504, T replaced by C.
Protein change: p.Asp168=; no amino-acid change (aspartic acid 168 retained).
Molecular consequence: synonymous variant. On other transcripts: intron variant (5).
Genome position (GRCh38, 1-based): chr10:86,687,228, T>C. VCF-style: chr10-86687228-T-C. GRCh37 (hg19) VCF-style: chr10-88446985-T-C.
Other names: p.Asp168=; c.504T>C, p.Asp168= (NM_001080116.1, NM_001080114.2, NM_001368066.1 and 1 more transcripts); c.690-4668T>C (NM_001368065.1, NM_001080115.2, NM_001368064.1 and 2 more transcripts); c.849T>C, p.Asp283= (NM_001171610.2, NM_001171611.2).
Identifiers: ClinVar variation 43879 (VCV000043879.32), dbSNP rs76615432, ClinGen allele CA133081.
Genomic context (GRCh38, chr10:86,687,228, plus strand): 5'-CATCATCCATGCGCAGTACAACACGCCCATCAGCATGTATTCCCAGGATGCCATCATGGA[T>C]GCCATCGCTGGGCAGGCCCAAGCCCAAGGCAGTGACTTCAGTGGGTAAGCGCCTCCCTCC-3'
Protein context (NP_001354996.1, residues 158-178): ISMYSQDAIM[Asp168=]AIAGQAQAQG